The following is an entry in ClinVar:

NM_002439.5(MSH3):c.2522C>T (p.Ala841Val)

Gene: MSH3 (mutS homolog 3; plus strand). Cytogenetic location: 5q14.1.
Variant type: single nucleotide variant.
Coding change: c.2522C>T on transcript NM_002439.5 (MANE Select); coding-DNA position 2522, C replaced by T.
Protein change: p.Ala841Val; replaces alanine 841 with valine.
Molecular consequence: missense variant.
Genome position (GRCh38, 1-based): chr5:80,787,651, C>T. VCF-style: chr5-80787651-C-T. GRCh37 (hg19) VCF-style: chr5-80083470-C-T.
Other names: c.2522C>T (NM_002439.3); short protein forms A841V.
Identifiers: ClinVar variation 3623787 (VCV003623787.3).

ClinVar aggregate classification (germline): Uncertain significance. Review status: criteria provided, multiple submitters, no conflicts (2 of 4 stars). 2 submissions from 2 submitters: Uncertain significance (2). Last evaluated 2026-06-15.

Conditions:
Hereditary cancer-predisposing syndrome. Also called: Hereditary neoplastic syndrome; Neoplastic Syndromes, Hereditary; Tumor predisposition; Hereditary Cancer Syndrome. Identifiers: Orphanet 140162, MedGen C0027672, MeSH D009386, MONDO:0015356.

Submissions (2):

Ambry Genetics
Classification: Uncertain significance for Hereditary cancer-predisposing syndrome. Last evaluated: 2026-06-15. Review status: criteria provided, single submitter. Criteria: Ambry Variant Classification Scheme 2023. Collection method: clinical testing. Allele origin: germline.
Comment: The p.A841V variant (also known as c.2522C>T), located in coding exon 18 of the MSH3 gene, results from a C to T substitution at nucleotide position 2522. The alanine at codon 841 is replaced by valine, an amino acid with similar properties. This amino acid position is conserved. In addition, this alteration is predicted to be deleterious by in silico analysis. Based on the available evidence, the clinical significance of this variant remains unclear.

Labcorp Genetics (formerly Invitae), Labcorp
Classification: Uncertain significance. Last evaluated: 2024-05-13. Review status: criteria provided, single submitter. Criteria: Invitae Variant Classification Sherloc (09022015). Collection method: clinical testing. Allele origin: germline.
Comment: This sequence change replaces alanine, which is neutral and non-polar, with valine, which is neutral and non-polar, at codon 841 of the MSH3 protein (p.Ala841Val). This variant is not present in population databases (gnomAD no frequency). This variant has not been reported in the literature in individuals affected with MSH3-related conditions. An algorithm developed to predict the effect of missense changes on protein structure and function (PolyPhen-2) suggests that this variant is likely to be disruptive. In summary, the available evidence is currently insufficient to determine the role of this variant in disease. Therefore, it has been classified as a Variant of Uncertain Significance.